The following is an entry in ClinVar:

NM_032043.3(BRIP1):c.82A>T (p.Met28Leu)

Gene: BRIP1 (BRCA1 interacting DNA helicase 1; minus strand). Cytogenetic location: 17q23.2.
Variant type: single nucleotide variant.
Coding change: c.82A>T on transcript NM_032043.3 (MANE Select); coding-DNA position 82, A replaced by T.
Protein change: p.Met28Leu; replaces methionine 28 with leucine.
Molecular consequence: missense variant.
Genome position (GRCh38, 1-based): chr17:61,861,458, T>A on the plus strand (A>T on the coding strand, the complement: BRIP1 is on the minus strand). VCF-style: chr17-61861458-T-A. GRCh37 (hg19) VCF-style: chr17-59938819-T-A.
Other names: short protein forms M28L.
Identifiers: ClinVar variation 481643 (VCV000481643.25), dbSNP rs1330147176, ClinGen allele CA400485921.

ClinVar aggregate classification (germline): Uncertain significance. Review status: criteria provided, multiple submitters, no conflicts (2 of 4 stars). 6 submissions from 6 submitters: Uncertain significance (6). Last evaluated 2025-12-08.

Conditions:
BRIP1-related disorder. Also called: BRIP1-related condition; BRIP1-related disorders. Identifiers: MedGen CN239206.
Hereditary cancer-predisposing syndrome. Also called: Neoplastic Syndromes, Hereditary; Hereditary Cancer Syndrome; Tumor predisposition; Hereditary neoplastic syndrome. Identifiers: Orphanet 140162, MedGen C0027672, MeSH D009386, MONDO:0015356.
Fanconi anemia complementation group J. Also called: BRIP1-Related Fanconi Anemia. Identifiers: Orphanet 84, MedGen C1836860, MONDO:0012187, OMIM 609054.
Familial cancer of breast. Also called: BREAST CANCER, FAMILIAL; Hereditary breast cancer; hereditary breast carcinoma. Identifiers: Orphanet 227535, MedGen C0346153, MONDO:0016419, OMIM 114480. Disease mechanism: loss of function.

Allele frequency attached by ClinVar (database versions not stated): TOPMed below 0.00001.
gnomAD v4.1: 13 of 1,608,892 alleles (0.00081%); highest among the groups gnomAD compares: Non-Finnish European, 0.001%; no homozygotes.

Submissions (6):

Color Diagnostics, LLC DBA Color Health
Classification: Uncertain significance for Hereditary cancer-predisposing syndrome. Last evaluated: 2025-12-08. Review status: criteria provided, single submitter. Criteria: ACMG Guidelines, 2015. Collection method: clinical testing. Allele origin: germline.
Comment: This missense variant replaces methionine with leucine at codon 28 of the BRIP1 protein. Computational prediction suggests that this variant may not impact protein structure and function. To our knowledge, functional studies have not been reported for this variant. This variant has not been reported in individuals affected with BRIP1-related disorders in the literature. This variant has not been identified in the general population by the Genome Aggregation Database (gnomAD). The available evidence is insufficient to determine the role of this variant in disease conclusively. Therefore, this variant is classified as a Variant of Uncertain Significance.

PreventionGenetics, part of Exact Sciences
Classification: Uncertain significance for BRIP1-related condition. Last evaluated: 2025-01-15. Review status: criteria provided, single submitter. Criteria: ACMG Guidelines, 2015. Collection method: clinical testing. Allele origin: germline.
Comment: The BRIP1 c.82A>T variant is predicted to result in the amino acid substitution p.Met28Leu. To our knowledge, this variant has not been reported in the literature or in a large population database (gnomad), indicating this variant is rare. This variant is interpreted as uncertain in ClinVar. At this time, the clinical significance of this variant is uncertain due to the absence of conclusive functional and genetic evidence.

Labcorp Genetics (formerly Invitae), Labcorp
Classification: Uncertain significance for Familial cancer of breast; Fanconi anemia complementation group J. Last evaluated: 2024-11-27. Review status: criteria provided, single submitter. Criteria: Invitae Variant Classification Sherloc (09022015). Collection method: clinical testing. Allele origin: germline.
Comment: This sequence change replaces methionine, which is neutral and non-polar, with leucine, which is neutral and non-polar, at codon 28 of the BRIP1 protein (p.Met28Leu). This variant is not present in population databases (gnomAD no frequency). This variant has not been reported in the literature in individuals affected with BRIP1-related conditions. ClinVar contains an entry for this variant (Variation ID: 481643). Invitae Evidence Modeling of protein sequence and biophysical properties (such as structural, functional, and spatial information, amino acid conservation, physicochemical variation, residue mobility, and thermodynamic stability) has been performed for this missense variant. However, the output from this modeling did not meet the statistical confidence thresholds required to predict the impact of this variant on BRIP1 protein function. In summary, the available evidence is currently insufficient to determine the role of this variant in disease. Therefore, it has been classified as a Variant of Uncertain Significance.

Baylor Genetics
Classification: Uncertain significance for Familial cancer of breast. Last evaluated: 2023-11-23. Review status: criteria provided, single submitter. Criteria: ACMG Guidelines, 2015. Collection method: clinical testing. Allele origin: unknown.

Ambry Genetics
Classification: Uncertain significance for Hereditary cancer-predisposing syndrome. Last evaluated: 2023-10-22. Review status: criteria provided, single submitter. Criteria: Ambry Variant Classification Scheme 2023. Collection method: clinical testing. Allele origin: germline.
Comment: The p.M28L variant (also known as c.82A>T), located in coding exon 1 of the BRIP1 gene, results from an A to T substitution at nucleotide position 82. The methionine at codon 28 is replaced by leucine, an amino acid with highly similar properties. This amino acid position is highly conserved in available vertebrate species. In addition, this alteration is predicted to be tolerated by in silico analysis. Since supporting evidence is limited at this time, the clinical significance of this alteration remains unclear.

GeneDx
Classification: Uncertain significance. Last evaluated: 2021-10-25. Review status: criteria provided, single submitter. Criteria: GeneDx Variant Classification Process June 2021. Collection method: clinical testing. Allele origin: germline. Affected: yes.
Comment: Not observed in large population cohorts (Lek 2016); In silico analysis, which includes protein predictors and evolutionary conservation, supports that this variant does not alter protein structure/function; Has not been previously published as pathogenic or benign to our knowledge